The following is an entry in ClinVar:

ClinVar aggregate classification (germline): Uncertain significance. Review status: criteria provided, multiple submitters, no conflicts (2 of 4 stars). 2 submissions from 2 submitters: Uncertain significance (2). Last evaluated 2026-04-02.

Conditions:
Dystonia 12 (DYT12). Also called: DYT-ATP1A3; Rapid-Onset Dystonia-Parkinsonism (RDP). Identifiers: Orphanet 71517, MedGen C1868681, MONDO:0007496, OMIM 128235.

Submissions (2):

GeneDx
Classification: Uncertain significance. Last evaluated: 2026-04-02. Review status: criteria provided, single submitter. Criteria: GeneDx Variant Classification Process June 2021. Collection method: clinical testing. Allele origin: germline.
Comment: Not observed at significant frequency in large population cohorts (gnomAD); In silico analysis suggests that this missense variant does not alter protein structure/function; In silico analysis suggests this variant may impact gene splicing. In the absence of RNA/functional studies, the actual effect of this sequence change is unknown.; Has not been previously published as pathogenic or benign to our knowledge

Labcorp Genetics (formerly Invitae), Labcorp
Classification: Uncertain significance for Dystonia 12. Last evaluated: 2022-09-27. Review status: criteria provided, single submitter. Criteria: Invitae Variant Classification Sherloc (09022015). Collection method: clinical testing. Allele origin: germline.
Comment: This sequence change replaces serine, which is neutral and polar, with asparagine, which is neutral and polar, at codon 643 of the ATP1A3 protein (p.Ser643Asn). This variant is not present in population databases (gnomAD no frequency). This variant has not been reported in the literature in individuals affected with ATP1A3-related conditions. ClinVar contains an entry for this variant (Variation ID: 1378384). Advanced modeling of protein sequence and biophysical properties (such as structural, functional, and spatial information, amino acid conservation, physicochemical variation, residue mobility, and thermodynamic stability) has been performed at Invitae for this missense variant, however the output from this modeling did not meet the statistical confidence thresholds required to predict the impact of this variant on ATP1A3 protein function. Algorithms developed to predict the effect of sequence changes on RNA splicing suggest that this variant may create or strengthen a splice site. In summary, the available evidence is currently insufficient to determine the role of this variant in disease. Therefore, it has been classified as a Variant of Uncertain Significance.

NM_152296.5(ATP1A3):c.1928G>A (p.Ser643Asn)

Gene: ATP1A3 (ATPase Na+/K+ transporting subunit alpha 3; minus strand). Cytogenetic location: 19q13.2.
Variant type: single nucleotide variant.
Coding change: c.1928G>A on transcript NM_152296.5 (MANE Select); coding-DNA position 1928, G replaced by A.
Protein change: p.Ser643Asn; replaces serine 643 with asparagine.
Molecular consequence: missense variant.
Genome position (GRCh38, 1-based): chr19:41,977,951, C>T on the plus strand (G>A on the coding strand, the complement: ATP1A3 is on the minus strand). VCF-style: chr19-41977951-C-T. GRCh37 (hg19) VCF-style: chr19-42482103-C-T.
Other names: c.1961G>A, p.Ser654Asn (NM_001256213.2); c.1967G>A, p.Ser656Asn (NM_001256214.2); c.1928G>A (NM_152296.4); short protein forms S643N, S654N, S656N.
Identifiers: ClinVar variation 1378384 (VCV001378384.9), dbSNP rs2145964356, ClinGen allele CA406044843.